The following is an entry in ClinVar:

NM_003470.3(USP7):c.1316A>G (p.Lys439Arg)

Gene: USP7 (ubiquitin specific peptidase 7; minus strand). Cytogenetic location: 16p13.2.
Variant type: single nucleotide variant.
Coding change: c.1316A>G on transcript NM_003470.3 (MANE Select); coding-DNA position 1316, A replaced by G.
Protein change: p.Lys439Arg; replaces lysine 439 with arginine.
Molecular consequence: missense variant. On other transcripts: non-coding transcript variant (1).
Genome position (GRCh38, 1-based): chr16:8,906,538, T>C on the plus strand (A>G on the coding strand, the complement: USP7 is on the minus strand). VCF-style: chr16-8906538-T-C. GRCh37 (hg19) VCF-style: chr16-9000395-T-C.
Other names: c.1268A>G, p.Lys423Arg (NM_001286457.2); c.1019A>G, p.Lys340Arg (NM_001286458.2); c.1142A>G, p.Lys381Arg (NM_001321858.2); short protein forms K340R, K381R, K423R, K439R.
Identifiers: ClinVar variation 3381340 (VCV003381340.2).
Genomic context (GRCh38, chr16:8,906,538, plus strand): 5'-TCTCCACTATGAACCAGGACTGCATGAAGAATATAATTTGCAGGGTCCTTAGGATCTGTT[T>C]TTTGCAAAAATTCATCAAGTGGTAACTGCTCTGGGAATTCAAACCTATTAGAAAACATTT-3'
Protein context (NP_003461.2, residues 429-449): EQLPLDEFLQ[Lys439Arg]TDPKDPANYI

ClinVar aggregate classification (germline): Uncertain significance (1 of 4 stars; one submission).

gnomAD v4.1: 2 of 1,613,792 alleles (0.00012%); highest among the groups gnomAD compares: Non-Finnish European, 0.00017%; no homozygotes.

Submission:

GeneDx
Classification: Uncertain significance. Last evaluated: 2026-02-26. Review status: criteria provided, single submitter. Criteria: GeneDx Variant Classification Process June 2021. Collection method: clinical testing. Allele origin: germline.
Comment: Not observed at significant frequency in large population cohorts (gnomAD); In silico analysis suggests that this missense variant does not alter protein structure/function; Has not been previously published as pathogenic or benign to our knowledge